The following is an entry in ClinVar:

NM_001430.5(EPAS1):c.1556C>T (p.Thr519Met)

Gene: EPAS1 (endothelial PAS domain protein 1; plus strand). Cytogenetic location: 2p21.
Variant type: single nucleotide variant.
Coding change: c.1556C>T on transcript NM_001430.5 (MANE Select); coding-DNA position 1556, C replaced by T.
Protein change: p.Thr519Met; replaces threonine 519 with methionine.
Molecular consequence: missense variant.
Genome position (GRCh38, 1-based): chr2:46,380,228, C>T. VCF-style: chr2-46380228-C-T. GRCh37 (hg19) VCF-style: chr2-46607367-C-T.
Other names: short protein forms T519M.
Identifiers: ClinVar variation 2075238 (VCV002075238.4), dbSNP rs377001303, ClinGen allele CA1645054.

ClinVar aggregate classification (germline): Uncertain significance (1 of 4 stars; one submission).

Allele frequency attached by ClinVar (database versions not stated): ESP Exome Variant Server 0.00008; gnomAD 0.00017; TOPMed 0.00031; ExAC 0.00003.
gnomAD v4.1: 106 of 1,610,416 alleles (0.0066%); highest among the groups gnomAD compares: Admixed American, 0.035%; no homozygotes.

Submission:

Labcorp Genetics (formerly Invitae), Labcorp
Classification: Uncertain significance. Last evaluated: 2025-10-26. Review status: criteria provided, single submitter. Criteria: Invitae Variant Classification Sherloc (09022015). Collection method: clinical testing. Allele origin: germline.
Comment: This sequence change replaces threonine, which is neutral and polar, with methionine, which is neutral and non-polar, at codon 519 of the EPAS1 protein (p.Thr519Met). This variant is present in population databases (rs377001303, gnomAD 0.02%). This missense change has been observed in individual(s) with clinical features of EPAS1-related conditions (PMID: 35142155). ClinVar contains an entry for this variant (Variation ID: 2075238). An algorithm developed to predict the effect of missense changes on protein structure and function outputs the following: PolyPhen-2: "Benign". The methionine amino acid residue is found in multiple mammalian species, which suggests that this missense change does not adversely affect protein function. In summary, the available evidence is currently insufficient to determine the role of this variant in disease. Therefore, it has been classified as a Variant of Uncertain Significance.

Literature cited by the submitters: PubMed 35142155.